The following is an entry in ClinVar:

ClinVar aggregate classification (germline): Conflicting classifications of pathogenicity. Review status: criteria provided, conflicting classifications (1 of 4 stars). 7 submissions from 7 submitters: Uncertain significance (2); Likely benign (5). Last evaluated 2025-10-07.

Conditions:
Kabuki syndrome 1 (KABUK1). Also called: KMT2D-Related Kabuki Syndrome. Identifiers: Orphanet 2322, MedGen CN030661, MONDO:0007843, OMIM 147920.
Choanal atresia-athelia-hypothyroidism-delayed puberty-short stature syndrome (BCAHH). Also called: BRANCHIAL ARCH ABNORMALITIES, CHOANAL ATRESIA, ATHELIA, HEARING LOSS, AND HYPOTHYROIDISM SYNDROME. Identifiers: Orphanet 589856, MedGen C5680310, MONDO:0035651, OMIM 620186.
Kabuki syndrome. Also called: Kabuki make-up syndrome; NIIKAWA-KUROKI SYNDROME. Identifiers: Orphanet 2322, MedGen C0796004, MONDO:0016512.

Allele frequency attached by ClinVar (database versions not stated): gnomAD exomes 0.00007 and 0.00009; ExAC 0.00008; ESP Exome Variant Server 0.00008; TOPMed 0.00011; 1000 Genomes Project 30x 0.00016; 1000 Genomes Project 0.00020.
gnomAD v4.1: 149 of 1,613,108 alleles (0.0092%); highest among the groups gnomAD compares: Non-Finnish European, 0.012%; no homozygotes.

Submissions (7):

Labcorp Genetics (formerly Invitae), Labcorp
Classification: Likely benign for Kabuki syndrome. Last evaluated: 2025-10-07. Review status: criteria provided, single submitter. Criteria: Invitae Variant Classification Sherloc (09022015). Collection method: clinical testing. Allele origin: germline.

CeGaT Center for Human Genetics Tuebingen
Classification: Likely benign. Last evaluated: 2025-03-01. Review status: criteria provided, single submitter. Criteria: CeGaT Center For Human Genetics Tuebingen Variant Classification Criteria Version 2. Collection method: clinical testing. Allele origin: germline. Affected: yes. Observed: 1 variant allele.
Comment: KMT2D: BS2

Blueprint Genetics
Classification: Likely benign. Last evaluated: 2024-11-26. Review status: criteria provided, single submitter. Criteria: ACMG Guidelines, 2015. Collection method: clinical testing. Allele origin: germline.

Fulgent Genetics
Classification: Likely benign for Kabuki syndrome 1; Choanal atresia-athelia-hypothyroidism-delayed puberty-short stature syndrome. Last evaluated: 2024-03-07. Review status: criteria provided, single submitter. Criteria: ACMG Guidelines, 2015. Collection method: clinical testing. Allele origin: germline.

GeneDx
Classification: Uncertain significance. Last evaluated: 2021-01-22. Review status: criteria provided, single submitter. Criteria: GeneDx Variant Classification Process June 2021. Collection method: clinical testing. Allele origin: germline. Affected: yes.
Comment: Reported in the heterozygous state in a patient with Kabuki syndrome however, further clinical information and information about parental testing were not provided (Faundes et al., 2019); In silico analysis supports that this missense variant has a deleterious effect on protein structure/function; This variant is associated with the following publications: (PMID: 30459467, 29168297)

Athena Diagnostics
Classification: Likely benign. Last evaluated: 2017-07-13. Review status: criteria provided, single submitter. Criteria: Athena Diagnostics Criteria. Collection method: clinical testing. Allele origin: germline.

Genetic Services Laboratory, University of Chicago
Classification: Uncertain significance for Kabuki syndrome 1. Last evaluated: 2013-03-04. Review status: criteria provided, single submitter. Criteria: ACMG Guidelines, 2007. Collection method: clinical testing. Allele origin: germline. Inheritance: Autosomal dominant inheritance.

NM_003482.4(KMT2D):c.7198C>G (p.Pro2400Ala)

Gene: KMT2D (lysine methyltransferase 2D; minus strand). Cytogenetic location: 12q13.12.
Variant type: single nucleotide variant.
Coding change: c.7198C>G on transcript NM_003482.4 (MANE Select); coding-DNA position 7198, C replaced by G.
Protein change: p.Pro2400Ala; replaces proline 2400 with alanine.
Molecular consequence: missense variant.
Genome position (GRCh38, 1-based): chr12:49,040,572, G>C on the plus strand (C>G on the coding strand, the complement: KMT2D is on the minus strand). VCF-style: chr12-49040572-G-C. GRCh37 (hg19) VCF-style: chr12-49434355-G-C.
Other names: short protein forms P2400A.
Identifiers: ClinVar variation 158784 (VCV000158784.25), dbSNP rs35111108, ClinGen allele CA271657.